The following is an entry in ClinVar:

ClinVar aggregate classification (germline): Pathogenic/Likely pathogenic. Review status: criteria provided, multiple submitters, no conflicts (2 of 4 stars). 2 submissions from 2 submitters: Pathogenic (1); Likely pathogenic (1). Last evaluated 2023-05-05.

Conditions:
Familial adenomatous polyposis 1 (FAP1). Also called: FAMILIAL ADENOMATOUS POLYPOSIS 1, ATTENUATED; POLYPOSIS, ADENOMATOUS INTESTINAL. Identifiers: MedGen C2713442, MONDO:0021056, OMIM 175100. Disease mechanism: loss of function.

Submissions (2):

Myriad Genetics, Inc.
Classification: Pathogenic for Familial adenomatous polyposis 1. Last evaluated: 2023-05-05. Review status: criteria provided, single submitter. Criteria: Myriad Autosomal Dominant, Autosomal Recessive and X-Linked Classification Criteria (2023). Collection method: clinical testing. Allele origin: unknown.
Comment: This variant is considered pathogenic. This variant creates a frameshift predicted to result in premature protein truncation.

Baylor Genetics
Classification: Likely pathogenic for Familial adenomatous polyposis 1. Last evaluated: 2022-04-09. Review status: criteria provided, single submitter. Criteria: ACMG Guidelines, 2015. Collection method: clinical testing. Allele origin: unknown.

NM_000038.6(APC):c.2907_2911dup (p.Asp971fs)

Gene: APC (APC regulator of Wnt signaling pathway; plus strand). Cytogenetic location: 5q22.2.
Variant type: Duplication.
Coding change: c.2907_2911dup on transcript NM_000038.6 (MANE Select); coding-DNA positions 2907 to 2911, 5 bases duplicated (TAGTG; older notation c.2907_2911dupTAGTG).
Protein change: p.Asp971fs; shifts the reading frame from aspartic acid 971.
Molecular consequence: frameshift variant. On other transcripts: non-coding transcript variant (2).
Genome position (GRCh38, 1-based): chr5:112,838,501-112,838,505, TAGTG duplicated; duplicating any 5 consecutive bases within chr5:112,838,500-112,838,505 gives the same sequence; the c. name uses the placement nearest the transcript's 3' end. VCF-style (leftmost placement, unchanged base first): chr5-112838499-A-AGTAGT. GRCh37 (hg19) VCF-style: chr5-112174196-A-AGTAGT.
Other names: c.2907_2911dup, p.Asp971fs (NM_001127510.3, NM_001354895.2, NM_001407450.1); c.2853_2857dup, p.Asp953fs (NM_001127511.3); c.2961_2965dup, p.Asp989fs (NM_001354896.2, NM_001407447.1, NM_001407448.1 and 1 more transcripts); c.2937_2941dup, p.Asp981fs (NM_001354897.2); c.2832_2836dup, p.Asp946fs (NM_001354898.2); c.2823_2827dup, p.Asp943fs (NM_001354899.2); c.2784_2788dup, p.Asp930fs (NM_001354900.2); c.2730_2734dup, p.Asp912fs (NM_001354901.2, NM_001407453.1); and 11 more; short protein forms D587fs, D688fs, D811fs, D842fs, D845fs, D870fs, D880fs, D888fs.
Identifiers: ClinVar variation 2584274 (VCV002584274.3), dbSNP rs2533458377, ClinGen allele CA2582341449.
Genomic context (GRCh38, chr5:112,838,499, plus strand): 5'-ATGCCTTATGCCAAATTAGAATACAAGAGATCTTCAAATGATAGTTTAAATAGTGTCAGT[A>AGTAGT]GTAGTGATGGTTATGGTAAAAGAGGTCAAATGAAACCCTCGATTGAATCCTATTCTGAAG-3'